The following is an entry in ClinVar:

ClinVar aggregate classification (germline): Pathogenic/Likely pathogenic. Review status: criteria provided, multiple submitters, no conflicts (2 of 4 stars). 6 submissions from 6 submitters: Pathogenic (3); Likely pathogenic (1). 2 of the submissions do not count toward it. Last evaluated 2025-05-07.

Conditions:
Inborn genetic diseases. Identifiers: MedGen C0950123, MeSH D030342.
Charcot-Marie-Tooth disease, type I (CMT1). Also called: Charcot-Marie-Tooth, Type 1; Charcot-Marie-Tooth disease type 1. Identifiers: Orphanet 65753, MedGen C0751036, MONDO:0019011.
Dejerine-Sottas disease. Also called: Charcot-Marie-Tooth disease type 3; DEJERINE-SOTTAS NEUROPATHY; HEREDITARY MOTOR AND SENSORY NEUROPATHY TYPE III; HMSN Type III; Hereditary motor and sensory neuropathy 3. Identifiers: Orphanet 64748, MedGen C0011195, MONDO:0007790, OMIM 145900.
DEJERINE-SOTTAS SYNDROME, AUTOSOMAL DOMINANT. Identifiers: MedGen C4016264.
Roussy-Lévy syndrome. Also called: Roussy Levy hereditary areflexic dystasia; Roussy-Levy disease; Hereditary areflexic dystasia; Roussy-Levy Syndrome. Identifiers: Orphanet 3115, MedGen C0205713, MONDO:0008392, OMIM 180800.

Submissions (6):

Athena Diagnostics
Classification: Pathogenic. Last evaluated: 2025-05-07. Review status: criteria provided, single submitter. Criteria: Athena Diagnostics Criteria. Collection method: clinical testing. Allele origin: unknown.
Comment: This variant has not been reported in large, multi-ethnic general populations. This variant has been identified in several individuals with clinical features associated with a PMP22-related disorder and appears to occur de novo in one individual. Assessment of experimental evidence suggests this variant results in abnormal protein function. (PMID: 10078969, 33893233)

Labcorp Genetics (formerly Invitae), Labcorp
Classification: Pathogenic for Charcot-Marie-Tooth disease, type I. Last evaluated: 2024-06-27. Review status: criteria provided, single submitter. Criteria: Invitae Variant Classification Sherloc (09022015). Collection method: clinical testing. Allele origin: germline.
Comment: This sequence change replaces histidine, which is basic and polar, with glutamine, which is neutral and polar, at codon 12 of the PMP22 protein (p.His12Gln). This variant is not present in population databases (gnomAD no frequency). This missense change has been observed in individual(s) with Dejerine-Sottas neuropathy (PMID: 7728152). In at least one individual the variant was observed to be de novo. ClinVar contains an entry for this variant (Variation ID: 8434). An algorithm developed to predict the effect of missense changes on protein structure and function (PolyPhen-2) suggests that this variant is likely to be tolerated. Experimental studies have shown that this missense change affects PMP22 function (PMID: 10078969). For these reasons, this variant has been classified as Pathogenic.

Ambry Genetics
Classification: Pathogenic for Inborn genetic diseases. Last evaluated: 2016-01-27. Review status: criteria provided, single submitter. Criteria: Ambry exome assertion method (8-5-2015). Collection method: clinical testing. Allele origin: germline. Affected: yes. Observed: 1 variant allele.

Centre for Mendelian Genomics, University Medical Centre Ljubljana
Classification: Likely pathogenic for Roussy-Lévy syndrome. Last evaluated: 2016-01-01. Review status: criteria provided, single submitter. Criteria: ACMG Guidelines, 2015. Collection method: clinical testing. Allele origin: unknown. Affected: yes.
Comment: This variant was classified as: Likely pathogenic. The following ACMG criteria were applied in classifying this variant: PS1,PM2,PP2,PP3.

OMIM
Classification: Pathogenic for DEJERINE-SOTTAS SYNDROME, AUTOSOMAL DOMINANT. Last evaluated: 1995-01-01. Review status: no assertion criteria provided. Collection method: literature only. Allele origin: germline. Not counted in ClinVar's aggregate classification.

Inherited Neuropathy Consortium
Classification: Uncertain significance for Dejerine-Sottas disease. Review status: no assertion criteria provided. Collection method: literature only. Allele origin: germline. Affected: yes. Not counted in ClinVar's aggregate classification.

Literature cited by the submitters: PubMed 26102530 (cited by Athena Diagnostics); PubMed 10078969 (cited by Athena Diagnostics and Labcorp Genetics (formerly Invitae), Labcorp); PubMed 33893233 (cited by Athena Diagnostics); PubMed 39140136 (cited by Athena Diagnostics); PubMed 7728152 (cited by 5 submitters); PubMed 3467805 (cited by OMIM).

NM_000304.4(PMP22):c.36C>A (p.His12Gln)

Gene: PMP22 (peripheral myelin protein 22; minus strand). Cytogenetic location: 17p12.
Variant type: single nucleotide variant.
Coding change: c.36C>A on transcript NM_000304.4 (MANE Select); coding-DNA position 36, C replaced by A.
Protein change: p.His12Gln; replaces histidine 12 with glutamine.
Molecular consequence: missense variant.
Genome position (GRCh38, 1-based): chr17:15,260,692, G>T on the plus strand (C>A on the coding strand, the complement: PMP22 is on the minus strand). VCF-style: chr17-15260692-G-T. GRCh37 (hg19) VCF-style: chr17-15164009-G-T.
Other names: c.36C>A, p.His12Gln (NM_001281455.2, NM_001281456.2, NM_001330143.2 and 2 more transcripts); short protein forms H12Q.
Identifiers: ClinVar variation 8434 (VCV000008434.15), dbSNP rs104894622, ClinGen allele CA119622.